The following is an entry in ClinVar:

ClinVar aggregate classification (germline): Benign (1 of 4 stars; one submission).

Allele frequency attached by ClinVar (database versions not stated): gnomAD 0.10408 and 0.10729; TOPMed 0.10997; 1000 Genomes Project 0.11362; 1000 Genomes Project 30x 0.11993.
gnomAD v4.1: 71,968 of 1,391,640 alleles (5.2%); highest among the groups gnomAD compares: African/African-American, 26%; 3,767 homozygotes.

Submission:

GeneDx
Classification: Benign. Last evaluated: 2018-06-14. Review status: criteria provided, single submitter. Criteria: GeneDx Variant Classification (06012015). Collection method: clinical testing. Allele origin: germline. Affected: yes.
Comment: This variant is considered likely benign or benign based on one or more of the following criteria: it is a conservative change, it occurs at a poorly conserved position in the protein, it is predicted to be benign by multiple in silico algorithms, and/or has population frequency not consistent with disease.

NM_133642.5(LARGE1):c.1287+105G>C

Gene: LARGE1 (LARGE xylosyl- and glucuronyltransferase 1; minus strand). Cytogenetic location: 22q12.3.
Variant type: single nucleotide variant.
Coding change: c.1287+105G>C on transcript NM_133642.5 (MANE Select); 105 bases into the intron after coding-DNA position 1287, G replaced by C.
Molecular consequence: intron variant.
Genome position (GRCh38, 1-based): chr22:33,337,541, C>G on the plus strand (G>C on the coding strand, the complement: LARGE1 is on the minus strand). VCF-style: chr22-33337541-C-G. GRCh37 (hg19) VCF-style: chr22-33733527-C-G.
Other names: c.1287+105G>C (NM_001362953.2, NM_001362949.2, NM_001378627.1 and 6 more transcripts); c.1132-21293G>C (NM_001378629.1); c.529-21293G>C (NM_001378631.1); c.684+105G>C (NM_001378630.1).
Identifiers: ClinVar variation 683055 (VCV000683055.1), dbSNP rs16992166, ClinGen allele CA14975217.